The following is an entry in ClinVar:

NM_000256.3(MYBPC3):c.3286G>T (p.Glu1096Ter)

Gene: MYBPC3 (myosin binding protein C3; minus strand). Cytogenetic location: 11p11.2.
Variant type: single nucleotide variant.
Coding change: c.3286G>T on transcript NM_000256.3 (MANE Select); coding-DNA position 3286, G replaced by T.
Protein change: p.Glu1096Ter; replaces glutamic acid 1096 with a stop codon.
Molecular consequence: nonsense.
Genome position (GRCh38, 1-based): chr11:47,333,238, C>A on the plus strand (G>T on the coding strand, the complement: MYBPC3 is on the minus strand). VCF-style: chr11-47333238-C-A. GRCh37 (hg19) VCF-style: chr11-47354789-C-A.
Other names: p.E1096*:GAG>TAG; p.Glu1096*; short protein forms E1096*.
Identifiers: ClinVar variation 8616 (VCV000008616.29), dbSNP rs121909377, ClinGen allele CA013793.
Genomic context (GRCh38, chr11:47,333,238, plus strand): 5'-CAGACCCTGGGCTCACCATGGTCTTCTTGTCGGCTTTCTGCACTGTGTACCCCCAGAGCT[C>A]CGTGTTGCCGACATCCTGGGGTGGCTTCCACTCCAGAGCCACATTAAGACCCCAGGCGTC-3'

ClinVar aggregate classification (germline): Pathogenic/Likely pathogenic. Review status: criteria provided, multiple submitters, no conflicts (2 of 4 stars). 15 submissions from 15 submitters: Pathogenic (12); Likely pathogenic (1). 2 of the submissions do not count toward it. Last evaluated 2025-11-17.

Conditions:
Cardiovascular phenotype. Identifiers: MedGen CN230736.
Hypertrophic cardiomyopathy 4. Also called: Familial hypertrophic cardiomyopathy 4. Identifiers: MedGen C1861862, MONDO:0007268, OMIM 115197.
Left ventricular noncompaction 10 (LVNC10). Identifiers: Orphanet 154, Orphanet 54260, MedGen C3715165, MONDO:0014163, OMIM 615396.
Cardiomyopathy (CMYO). Also called: Cardiomyopathies. Identifiers: Orphanet 167848, MedGen C0878544, MONDO:0004994, HP:0001638. Inheritance: Various modes of inheritance.
Hypertrophic cardiomyopathy. Also called: HYPERTROPHIC MYOCARDIOPATHY. Identifiers: Orphanet 217569, MedGen C0007194, MeSH D002312, MONDO:0005045, HP:0001639.

Allele frequency attached by ClinVar (database versions not stated): gnomAD 0.00001.

Submissions (15):

Labcorp Genetics (formerly Invitae), Labcorp
Classification: Pathogenic for Hypertrophic cardiomyopathy. Last evaluated: 2025-11-17. Review status: criteria provided, single submitter. Criteria: Invitae Variant Classification Sherloc (09022015). Collection method: clinical testing. Allele origin: germline.
Comment: This sequence change creates a premature translational stop signal (p.Glu1096*) in the MYBPC3 gene. It is expected to result in an absent or disrupted protein product. Loss-of-function variants in MYBPC3 are known to be pathogenic (PMID: 19574547). The frequency data for this variant in the population databases is considered unreliable, as metrics indicate poor data quality at this position in the gnomAD database. This premature translational stop signal has been observed in individuals with hypertrophic cardiomyopathy (PMID: 10424815, 27532257). It has also been observed to segregate with disease in related individuals. ClinVar contains an entry for this variant (Variation ID: 8616). For these reasons, this variant has been classified as Pathogenic.

All of Us Research Program, National Institutes of Health
Classification: Pathogenic for Hypertrophic cardiomyopathy. Last evaluated: 2024-05-14. Review status: criteria provided, single submitter. Criteria: ACMG Guidelines, 2015. Collection method: clinical testing. Allele origin: germline. Inheritance: Autosomal dominant inheritance. Observed: 1 variant allele, 1 heterozygote.
Comment: This variant changes 1 nucleotide in exon 30 of the MYBPC3 gene, creating a premature translation stop signal. This variant is expected to result in an absent or non-functional protein product. This variant has been reported in at least six individuals affected with hypertrophic cardiomyopathy (PMID: 10424815, 27532257, 24093860). In one family, this variant has been detected in two individuals who also carried another pathogenic variant in the MYH7 gene and were severely affected (PMID: 10424815). This variant has been identified in 1/206580 chromosomes in the general population by the Genome Aggregation Database (gnomAD). Loss of MYBPC3 function is a known mechanism of disease. Based on the available evidence, this variant is classified as Pathogenic.

This study involves interpretation of variants in research participants for the purpose of population health screening. Participant phenotype was not available at the time of variant classification. Additional details can be found in publication PMID: 35346344, PMCID: PMC8962531

Color Diagnostics, LLC DBA Color Health
Classification: Pathogenic for Cardiomyopathy. Last evaluated: 2024-03-14. Review status: criteria provided, single submitter. Criteria: ACMG Guidelines, 2015. Collection method: clinical testing. Allele origin: germline.
Comment: This variant changes 1 nucleotide in exon 30 of the MYBPC3 gene, creating a premature translation stop signal. This variant is expected to result in an absent or non-functional protein product. This variant has been reported in at least six individuals affected with hypertrophic cardiomyopathy (PMID: 10424815, 27532257, 24093860). In one family, this variant has been detected in two individuals who also carried another pathogenic variant in the MYH7 gene and were severely affected (PMID: 10424815). This variant has been identified in 1/206580 chromosomes in the general population by the Genome Aggregation Database (gnomAD). Loss of MYBPC3 function is a known mechanism of disease. Based on the available evidence, this variant is classified as Pathogenic.

GeneDx
Classification: Pathogenic. Last evaluated: 2024-01-18. Review status: criteria provided, single submitter. Criteria: GeneDx Variant Classification Process June 2021. Collection method: clinical testing. Allele origin: germline. Affected: yes.
Comment: Nonsense variant predicted to result in protein truncation or nonsense mediated decay in a gene for which loss of function is a known mechanism of disease; Not observed at significant frequency in large population cohorts (gnomAD); Found independently in three affected individuals from a French Caribbean family with HCM, including an obligate carrier, and co-occurred with a missense variant in the MYH7 gene in two affected relatives with more severe disease (PMID: 10424815); This variant is associated with the following publications: (PMID: 28193612, 12601548, 31447099, 12707239, 24093860, 27532257, 18761664, 20031583, 31513939, 32009526, 34542152, 10424815)

Mayo Clinic Laboratories, Mayo Clinic
Classification: Pathogenic. Last evaluated: 2024-01-16. Review status: criteria provided, single submitter. Criteria: ACMG Guidelines, 2015. Collection method: clinical testing. Allele origin: germline. Observed: 2 variant alleles.
Comment: PP1, PM2, PS4_moderate, PVS1

CHEO Genetics Diagnostic Laboratory, Children's Hospital of Eastern Ontario
Classification: Pathogenic for Cardiomyopathy. Last evaluated: 2022-07-08. Review status: criteria provided, single submitter. Criteria: ACMG Guidelines, 2015. Collection method: clinical testing. Allele origin: germline.

Ambry Genetics
Classification: Pathogenic for Cardiovascular phenotype. Last evaluated: 2022-03-03. Review status: criteria provided, single submitter. Criteria: Ambry General Variant Classification Scheme_2022. Collection method: clinical testing. Allele origin: germline. Observed: 1 variant allele.
Comment: The p.E1096* pathogenic mutation (also known as c.3286G>T), located in coding exon 30 of the MYBPC3 gene, results from a G to T substitution at nucleotide position 3286. This changes the amino acid from a glutamic acid to a stop codon within coding exon 30. This alteration has been reported in multiple unrelated individuals with hypertrophic cardiomyopathy (Richard P et al. J. Med. Genet., 1999 Jul;36:542-5; Marsiglia JD et al. Am. Heart J., 2013 Oct;166:775-82; Walsh R et al. Genet. Med., 2017 02;19:192-203). In addition to the clinical data presented in the literature, this alteration is expected to result in loss of function by premature protein truncation or nonsense-mediated mRNA decay. As such, this alteration is interpreted as a disease-causing mutation.

Fulgent Genetics
Classification: Pathogenic for Hypertrophic cardiomyopathy 4; Left ventricular noncompaction 10. Last evaluated: 2021-10-15. Review status: criteria provided, single submitter. Criteria: ACMG Guidelines, 2015. Collection method: clinical testing. Allele origin: unknown.

Molecular Diagnostic Laboratory for Inherited Cardiovascular Disease, Montreal Heart Institute
Classification: Pathogenic for Cardiovascular phenotype. Last evaluated: 2020-07-15. Review status: criteria provided, single submitter. Criteria: ACMG Guidelines, 2015. Collection method: clinical testing. Allele origin: germline. Affected: yes.

Center for Human Genetics, University of Leuven
Classification: Pathogenic for Hypertrophic cardiomyopathy. Last evaluated: 2018-10-31. Review status: criteria provided, single submitter. Criteria: ACMG Guidelines, 2015. Collection method: clinical testing. Allele origin: germline. Affected: yes.

Laboratory for Molecular Medicine, Mass General Brigham Personalized Medicine
Classification: Pathogenic for Hypertrophic cardiomyopathy. Last evaluated: 2018-07-03. Review status: criteria provided, single submitter. Criteria: LMM Criteria. Collection method: clinical testing. Allele origin: germline. Inheritance: Autosomal dominant inheritance. Observed: 3 variant alleles.
Comment: The p.Glu1096X variant in MYBPC3 has been reported in 7 individuals with HCM, in cluding 1 individual with HCM who also carries a variant in MYH7 (Richard 1999, Richard 2003, Marsiglia 2013, Walsh 2016, LMM data). This variant has been identifie d in 1/11,964 African chromosomes by the Genome Aggregation Database (gnomAD; dbSNP rs121909377). This nonsense variant leads to a premature termination codon at position 1096, which is predicted to lead t o a truncated or absent protein. In summary, this variant meets criteria to be c lassified as pathogenic for HCM in an autosomal dominant manner based upon the p redicted impact of the variant, segregation studies, and absence from controls. ACMG/AMP Criteria applied: PVS1; PM2; PS4_Moderate; PP1.

Human Genome Sequencing Center Clinical Lab, Baylor College of Medicine
Classification: Pathogenic for Hypertrophic cardiomyopathy 4. Last evaluated: 2018-04-25. Review status: criteria provided, single submitter. Criteria: ACMG Guidelines, 2015. Collection method: clinical testing. Allele origin: germline.
Comment: This c.3286G>T (p.Glu1096*) variant in the MYBPC3 gene has been reported in multiple hypertrophic cardiomyopathy (HMC) patients [PMID: 7786104, 10424815, 12707239] while observed with extremely low allele frequency in general population according to gnomad database. It has been demonstrated that this variant was co-segregated with disease in a HCM family [PMID: 10424815]. This variant has been reported by multiple clinical test center as disease-causing according to ClinVar database. This variant is predicted to cause loss of function of normal protein through mRNA decay or producing a truncated protein, which is a known disease mechanism for this gene. Based on current evidences, this c.3286G>T (p.Glu1096*) variant in the MYBPC3 gene is classified as pathogenic.

Laboratory of Genetics and Molecular Cardiology, University of São Paulo
Classification: Likely pathogenic for Hypertrophic cardiomyopathy 4. Review status: criteria provided, single submitter. Criteria: LGCM Criteria August 2015. Collection method: clinical testing. Allele origin: germline. Inheritance: Autosomal dominant inheritance. Affected: yes. Observed: 1 variant allele. Study: Sarcomeric Human Cardiomyopathy Registry (ShaRe).

Gharavi Laboratory, Columbia University
Classification: Pathogenic. Last evaluated: 2018-09-16. Review status: no assertion criteria provided. Criteria: ACMG Guidelines, 2015. Collection method: research. Allele origin: germline. Affected: yes. Not counted in ClinVar's aggregate classification.

OMIM
Classification: Pathogenic for CARDIOMYOPATHY, FAMILIAL HYPERTROPHIC, 4. Last evaluated: 1999-07-01. Review status: no assertion criteria provided. Collection method: literature only. Allele origin: germline. Not counted in ClinVar's aggregate classification.

Literature cited by the submitters: PubMed 19574547 (cited by Labcorp Genetics (formerly Invitae), Labcorp); PubMed 10424815 (cited by 8 submitters); PubMed 27532257 (cited by 6 submitters); PubMed 24093860 (cited by 5 submitters); PubMed 12601548 (cited by 3 submitters); PubMed 12707239 (cited by 3 submitters); PubMed 28193612 (cited by Mayo Clinic Laboratories, Mayo Clinic); PubMed 31447099 (cited by Mayo Clinic Laboratories, Mayo Clinic); PubMed 31513939 (cited by Mayo Clinic Laboratories, Mayo Clinic); PubMed 32009526 (cited by Mayo Clinic Laboratories, Mayo Clinic); PubMed 34542152 (cited by Mayo Clinic Laboratories, Mayo Clinic); Hengstenberg, C., Charron, P., Beckmann, J. S., Weissenbach, J., Isnard, R., Komajda, M., Schwartz, K. Evidence for the existence of a fifth gene causing familial hypertrophic cardiomyopathy. (Abstract) Am. J. Hum. Genet. 53 (suppl.): A1013-only, 1993. (cited by OMIM); PubMed 7786104 (cited by OMIM).